The following is an entry in ClinVar:

NM_213599.3(ANO5):c.*2711T>C

Gene: ANO5 (anoctamin 5; plus strand). Cytogenetic location: 11p14.3.
Variant type: single nucleotide variant.
Coding change: c.*2711T>C on transcript NM_213599.3 (MANE Select); 2711 bases downstream of the stop codon, T replaced by C.
Molecular consequence: 3 prime UTR variant.
Genome position (GRCh38, 1-based): chr11:22,282,476, T>C. VCF-style: chr11-22282476-T-C. GRCh37 (hg19) VCF-style: chr11-22304022-T-C.
Other names: c.*2711T>C (NM_001142649.2).
Identifiers: ClinVar variation 879747 (VCV000879747.5), dbSNP rs137887236, ClinGen allele CA218780979.
Genomic context (GRCh38, chr11:22,282,476, plus strand): 5'-GTCTTTTGACACCTCTTAGCTTTAACATTCTTCTTTTAACCAAGCCATTATGCAAAGTTA[T>C]CAAAGAAGAGGAGAAGGAAAGGAGGACAGATGAAAGTGACGGGAAATGAGAAAGAAGAGG-3'

ClinVar aggregate classification (germline): Likely benign. Review status: criteria provided, multiple submitters, no conflicts (2 of 4 stars). 2 submissions from 2 submitters: Likely benign (2). Last evaluated 2021-05-20.

Conditions:
ANO5-Related Muscle Diseases. Identifiers: MedGen CN180644.

Allele frequency attached by ClinVar (database versions not stated): gnomAD 0.00418 and 0.00440; 1000 Genomes Project 30x 0.00453; 1000 Genomes Project 0.00459; TOPMed 0.00512.

Submissions (2):

GeneDx
Classification: Likely benign. Last evaluated: 2021-05-20. Review status: criteria provided, single submitter. Criteria: GeneDx Variant Classification Process June 2021. Collection method: clinical testing. Allele origin: germline. Affected: yes.

Illumina Laboratory Services, Illumina
Classification: Likely benign for ANO5-Related Muscle Diseases. Last evaluated: 2018-01-13. Review status: criteria provided, single submitter. Criteria: ICSL Variant Classification Criteria 13 December 2019. Collection method: clinical testing. Allele origin: germline.
Comment: This variant was observed in the ICSL laboratory as part of a predisposition screen in an ostensibly healthy population. It had not been previously curated by ICSL or reported in the Human Gene Mutation Database (HGMD: prior to June 1st, 2018), and was therefore a candidate for classification through an automated scoring system. Utilizing variant allele frequency, disease prevalence and penetrance estimates, and inheritance mode, an automated score was calculated to assess if this variant is too frequent to cause the disease. Based on the score and internal cut-off values, a variant classified as likely benign is not then subjected to further curation. The score for this variant resulted in a classification of likely benign for this disease.